The following is an entry in ClinVar:

ClinVar aggregate classification (germline): Likely pathogenic. Review status: criteria provided, multiple submitters, no conflicts (2 of 4 stars). 2 submissions from 2 submitters: Likely pathogenic (2). Last evaluated 2024-09-22.

Conditions:
Autosomal recessive nonsyndromic hearing loss 35. Identifiers: Orphanet 90636, MedGen C1837857, MONDO:0012060, OMIM 608565.

gnomAD v4.1: 1 of 1,614,154 alleles (0.000062%); no homozygotes.

Submissions (2):

Genomic Medicine Center of Excellence, King Faisal Specialist Hospital and Research Centre
Classification: Likely pathogenic for Autosomal recessive nonsyndromic hearing loss 35. Last evaluated: 2024-09-22. Review status: criteria provided, single submitter. Criteria: ACMG Guidelines, 2015. Collection method: clinical testing. Allele origin: germline.

Baylor Genetics
Classification: Likely pathogenic for Autosomal recessive nonsyndromic hearing loss 35. Last evaluated: 2020-06-03. Review status: criteria provided, single submitter. Criteria: ACMG Guidelines, 2015. Collection method: clinical testing. Allele origin: unknown. Affected: yes.
Comment: This variant was determined to be likely pathogenic according to ACMG Guidelines, 2015 [PMID:25741868].

NM_001379180.1(ESRRB):c.*1451C>G

Gene: ESRRB (estrogen related receptor beta; plus strand). Cytogenetic location: 14q24.3.
Variant type: single nucleotide variant.
Coding change: c.*1451C>G on transcript NM_001379180.1 (MANE Select); 1451 bases downstream of the stop codon, C replaced by G.
Molecular consequence: 3 prime UTR variant. On other transcripts: nonsense (1).
Genome position (GRCh38, 1-based): chr14:76,499,909, C>G. VCF-style: chr14-76499909-C-G. GRCh37 (hg19) VCF-style: chr14-76966252-C-G.
Other names: c.1343C>G, p.Ser448Ter (NM_004452.4); short protein forms S448*.
Identifiers: ClinVar variation 1028247 (VCV001028247.2), dbSNP rs1485778712, ClinGen allele CA390480011.
Genomic context (GRCh38, chr14:76,499,909, plus strand): 5'-ATTTGTGCTCACAGGTTGGCCAAGAGCAGCTTAGAGGATCTCCCAAGGATGAAAGAATGT[C>G]AAGCCATGATGGAAAATGCCCCTTCCAATCAGCTGCCTTCACAAGCAGGGATCAGAGCAA-3'